The following is an entry in ClinVar:

ClinVar aggregate classification (germline): Benign/Likely benign. Review status: criteria provided, single submitter (1 of 4 stars). 4 submissions from 1 submitter: Benign (3); Likely benign (1). Last evaluated 2018-01-12.

Conditions:
Trigonocephaly 1 (TRIGNO1). Identifiers: Orphanet 3366, MedGen C0432122, MONDO:0008603, OMIM 190440.
Craniosynostosis syndrome. Also called: Craniosynostosis. Identifiers: Orphanet 1531, MedGen C0010278, MeSH D003398, MONDO:0015469, HP:0001363.
Osteoglophonic dysplasia (OGD). Also called: Osteoglophonic dwarfism. Identifiers: Orphanet 2645, MedGen C0432283, MONDO:0008150, OMIM 166250.
Hypogonadotropic hypogonadism 2 with or without anosmia (HH2). Also called: HYPOGONADOTROPIC HYPOGONADISM 2 WITHOUT ANOSMIA; HYPOGONADOTROPIC HYPOGONADISM 2 WITH OR WITHOUT ANOSMIA, SUSCEPTIBILITY TO; HYPOGONADOTROPIC HYPOGONADISM 2 WITHOUT ANOSMIA, SUSCEPTIBILITY TO; FGFR1-Related GnRH Deficiency (Kallmann Syndrome 2). Identifiers: Orphanet 478, MedGen C1563720, MONDO:0007844, OMIM 147950. Disease mechanism: loss of function.

Allele frequency attached by ClinVar (database versions not stated): 1000 Genomes Project 0.00100; 1000 Genomes Project 30x 0.00141; gnomAD 0.00301 and 0.00306; TOPMed 0.00330; gnomAD exomes 0.00400.
gnomAD v4.1: 754 of 225,582 alleles (0.33%); highest among the groups gnomAD compares: Middle Eastern, 0.67%; 1 homozygote.

Submissions (4):

Illumina Laboratory Services, Illumina
Classification: Likely benign for Hypogonadotropic hypogonadism 2 with or without anosmia. Last evaluated: 2018-01-12. Review status: criteria provided, single submitter. Criteria: ICSL Variant Classification Criteria 13 December 2019. Collection method: clinical testing. Allele origin: germline.
Comment: This variant was observed in the ICSL laboratory as part of a predisposition screen in an ostensibly healthy population. It had not been previously curated by ICSL or reported in the Human Gene Mutation Database (HGMD: prior to June 1st, 2018), and was therefore a candidate for classification through an automated scoring system. Utilizing variant allele frequency, disease prevalence and penetrance estimates, and inheritance mode, an automated score was calculated to assess if this variant is too frequent to cause the disease. Based on the score and internal cut-off values, a variant classified as likely benign is not then subjected to further curation. The score for this variant resulted in a classification of likely benign for this disease.

Illumina Laboratory Services, Illumina
Classification: Benign for Craniosynostosis. Last evaluated: 2018-01-12. Review status: criteria provided, single submitter. Criteria: ICSL Variant Classification Criteria 13 December 2019. Collection method: clinical testing. Allele origin: germline.
Comment: This variant was observed in the ICSL laboratory as part of a predisposition screen in an ostensibly healthy population. It had not been previously curated by ICSL or reported in the Human Gene Mutation Database (HGMD: prior to June 1st, 2018), and was therefore a candidate for classification through an automated scoring system. Utilizing variant allele frequency, disease prevalence and penetrance estimates, and inheritance mode, an automated score was calculated to assess if this variant is too frequent to cause the disease. Based on the score and internal cut-off values, a variant classified as benign is not then subjected to further curation. The score for this variant resulted in a classification of benign for this disease.

Illumina Laboratory Services, Illumina
Classification: Benign for Osteoglophonic dysplasia. Last evaluated: 2018-01-12. Review status: criteria provided, single submitter. Criteria: ICSL Variant Classification Criteria 13 December 2019. Collection method: clinical testing. Allele origin: germline.
Comment: the same text as in the submission from Illumina Laboratory Services, Illumina above.

Illumina Laboratory Services, Illumina
Classification: Benign for Trigonocephaly 1. Last evaluated: 2018-01-12. Review status: criteria provided, single submitter. Criteria: ICSL Variant Classification Criteria 13 December 2019. Collection method: clinical testing. Allele origin: germline.
Comment: the same text as in the submission from Illumina Laboratory Services, Illumina above.

NM_023110.3(FGFR1):c.-209G>C

Genes: FGFR1 (fibroblast growth factor receptor 1; minus strand), LOC130000233 (ATAC-STARR-seq lymphoblastoid silent region 19129; plus strand). Cytogenetic location: 8p11.23.
Variant type: single nucleotide variant.
Coding change: c.-209G>C on transcript NM_023110.3 (MANE Select); 209 bases upstream of the start codon, G replaced by C.
Molecular consequence: 5 prime UTR variant.
Genome position (GRCh38, 1-based): chr8:38,468,101, C>G on the plus strand (G>C on the coding strand, the complement: FGFR1 is on the minus strand). VCF-style: chr8-38468101-C-G. GRCh37 (hg19) VCF-style: chr8-38325619-C-G.
Other names: c.-209G>C (NM_001174063.2, NM_001354367.2, NM_001354368.2 and 4 more transcripts); c.-301G>C (NM_001174064.2).
Identifiers: ClinVar variation 908294 (VCV000908294.4), dbSNP rs572216432, ClinGen allele CA175775802.
Genomic context (GRCh38, chr8:38,468,101, plus strand): 5'-GTGCCCGCGTCCCCGGCTCCGGCCCGCCGCCCCCGGGCTCTGTTCGGGTCCTGGCGGGGT[C>G]GCAAGAGCTCCGCGGCCGGCGCTCGACTCCCGGCGGCGCTCGGTGCTCGGCGCCTCCAGC-3'